The following is an entry in ClinVar:

ClinVar aggregate classification (germline): Benign/Likely benign. Review status: criteria provided, multiple submitters, no conflicts (2 of 4 stars). 9 submissions from 9 submitters: Benign (5); Likely benign (3). 1 of the submissions does not count toward it. Last evaluated 2025-05-23.

Conditions:
CFTR-related disorder (CFTR-RD). Also called: CFTR-related condition; CFTR-related disorders. Identifiers: MedGen C5924204, MONDO:7770004.
Cystic fibrosis (CF). Also called: MUCOVISCIDOSIS. Identifiers: Orphanet 586, MedGen C0010674, MONDO:0009061, OMIM 219700. Disease mechanism: loss of function.

Allele frequency attached by ClinVar (database versions not stated): ESP Exome Variant Server 0.00008; gnomAD exomes 0.00027 and 0.00126; gnomAD 0.00058 and 0.00066; TOPMed 0.00070; ExAC 0.00113; 1000 Genomes Project 30x 0.00219; 1000 Genomes Project 0.00260.
gnomAD v4.1: 555 of 1,590,306 alleles (0.035%); highest among the groups gnomAD compares: East Asian, 0.94%; 3 homozygotes.

Submissions (9):

ARUP Laboratories, Molecular Genetics and Genomics, ARUP Laboratories
Classification: Benign. Last evaluated: 2025-05-23. Review status: criteria provided, single submitter. Criteria: ARUP Molecular Germline Variant Investigation Process 2024. Collection method: clinical testing. Allele origin: germline.

PreventionGenetics, part of Exact Sciences
Classification: Benign for CFTR-related condition. Last evaluated: 2024-12-03. Review status: criteria provided, single submitter. Criteria: ACMG Guidelines, 2015. Collection method: clinical testing. Allele origin: germline.
Comment: This variant is classified as benign based on ACMG/AMP sequence variant interpretation guidelines (Richards et al. 2015 PMID: 25741868, with internal and published modifications).

Blueprint Genetics
Classification: Likely benign. Last evaluated: 2024-10-28. Review status: criteria provided, single submitter. Criteria: ACMG Guidelines, 2015. Collection method: clinical testing. Allele origin: germline.

Labcorp Genetics (formerly Invitae), Labcorp
Classification: Benign for Cystic fibrosis. Last evaluated: 2024-04-10. Review status: criteria provided, single submitter. Criteria: Invitae Variant Classification Sherloc (09022015). Collection method: clinical testing. Allele origin: germline.

Quest Diagnostics Nichols Institute San Juan Capistrano
Classification: Benign. Last evaluated: 2023-08-11. Review status: criteria provided, single submitter. Criteria: Quest Diagnostics criteria. Collection method: clinical testing. Allele origin: unknown.

Mendelics
Classification: Likely benign for Cystic fibrosis. Last evaluated: 2019-05-28. Review status: criteria provided, single submitter. Criteria: Mendelics Assertion Criteria 2017. Collection method: clinical testing. Allele origin: unknown.

Eurofins Ntd Llc (ga)
Classification: Benign. Last evaluated: 2017-06-29. Review status: criteria provided, single submitter. Criteria: EGL Classification Definitions 2015. Collection method: clinical testing. Allele origin: germline. Observed: 1 variant allele, 1 heterozygote.

Breakthrough Genomics
Classification: Likely benign. Review status: criteria provided, single submitter. Criteria: ACMG Guidelines, 2015. Collection method: not provided. Allele origin: germline. Inheritance: Autosomal recessive inheritance. Affected: yes.

ClinVar Staff, National Center for Biotechnology Information (NCBI)
No classification provided. Condition: CFTR-related disorders. Review status: no classification provided. Collection method: literature only. Allele origin: germline. Affected: yes. Not counted in ClinVar's aggregate classification.

Literature cited by the submitters: PubMed 27065010 (cited by Quest Diagnostics Nichols Institute San Juan Capistrano); PubMed 16596947 (cited by Quest Diagnostics Nichols Institute San Juan Capistrano); PubMed 20522854 (cited by Quest Diagnostics Nichols Institute San Juan Capistrano); PubMed 25087612 (cited by Quest Diagnostics Nichols Institute San Juan Capistrano); PubMed 17020473 (cited by ClinVar Staff, National Center for Biotechnology Information (NCBI)).

NM_000492.4(CFTR):c.3717+45G>A

Genes: CFTR (CF transmembrane conductance regulator; plus strand), CFTR-AS2 (CFTR antisense RNA 2; minus strand). Cytogenetic location: 7q31.2.
Variant type: single nucleotide variant.
Coding change: c.3717+45G>A on transcript NM_000492.4 (MANE Select); 45 bases into the intron after coding-DNA position 3717, G replaced by A.
Molecular consequence: intron variant.
Genome position (GRCh38, 1-based): chr7:117,627,815, G>A. VCF-style: chr7-117627815-G-A. GRCh37 (hg19) VCF-style: chr7-117267869-G-A.
Identifiers: ClinVar variation 53790 (VCV000053790.24), dbSNP rs145743767, ClinGen allele CA327256.
Genomic context (GRCh38, chr7:117,627,815, plus strand): 5'-AAGTCCTGGCCAGAGGGTGAGATTTGAACACTGCTTGCTTTGTTAGACTGTGTTCAGTAA[G>A]TGAATCCCAGTAGCCTGAAGCAATGTGTTAGCAGAATCTATTTGTAACATTATTATTGTA-3'